The following is an entry in ClinVar:

ClinVar aggregate classification (germline): Likely benign (1 of 4 stars; one submission).

Allele frequency attached by ClinVar (database versions not stated): gnomAD exomes below 0.00001; TOPMed below 0.00001; ExAC 0.00001; gnomAD 0.00001.
gnomAD v4.1: 4 of 1,613,804 alleles (0.00025%); highest among the groups gnomAD compares: African/African-American, 0.0027%; no homozygotes.

Submission:

CeGaT Center for Human Genetics Tuebingen
Classification: Likely benign. Last evaluated: 2024-03-01. Review status: criteria provided, single submitter. Criteria: CeGaT Center For Human Genetics Tuebingen Variant Classification Criteria Version 2. Collection method: clinical testing. Allele origin: germline. Affected: yes. Observed: 1 variant allele.
Comment: SETD2: BP4, BP7

NM_014159.7(SETD2):c.6903A>G (p.Thr2301=)

Gene: SETD2 (SET domain containing 2, histone lysine methyltransferase; minus strand). Cytogenetic location: 3p21.31.
Variant type: single nucleotide variant.
Coding change: c.6903A>G on transcript NM_014159.7 (MANE Select); coding-DNA position 6903, A replaced by G.
Protein change: p.Thr2301=; no amino-acid change (threonine 2301 retained).
Molecular consequence: synonymous variant. On other transcripts: non-coding transcript variant (1).
Genome position (GRCh38, 1-based): chr3:47,056,881, T>C on the plus strand (A>G on the coding strand, the complement: SETD2 is on the minus strand). VCF-style: chr3-47056881-T-C. GRCh37 (hg19) VCF-style: chr3-47098371-T-C.
Other names: c.6771A>G, p.Thr2257= (NM_001349370.3).
Identifiers: ClinVar variation 3067381 (VCV003067381.21), dbSNP rs774810866, ClinGen allele CA2362647.